The following is an entry in ClinVar:

ClinVar aggregate classification (germline): Uncertain significance (1 of 4 stars; one submission).

Conditions:
Catecholaminergic polymorphic ventricular tachycardia (CVPT). Also called: Catecholamine-induced polymorphic ventricular tachycardia. Identifiers: Orphanet 3286, MedGen C5574922, MONDO:0017990.

Submission:

All of Us Research Program, National Institutes of Health
Classification: Uncertain significance for Catecholaminergic polymorphic ventricular tachycardia. Last evaluated: 2024-08-06. Review status: criteria provided, single submitter. Criteria: ACMG Guidelines, 2015. Collection method: clinical testing. Allele origin: germline. Inheritance: Autosomal dominant inheritance. Observed: 1 variant allele, 1 heterozygote.
Comment: This study involves interpretation of variants in research participants for the purpose of population health screening. Participant phenotype was not available at the time of variant classification. Additional details can be found in publication PMID: 35346344, PMCID: PMC8962531

NM_001035.3(RYR2):c.10061T>C (p.Leu3354Pro)

Gene: RYR2 (ryanodine receptor 2; plus strand). Cytogenetic location: 1q43.
Variant type: single nucleotide variant.
Coding change: c.10061T>C on transcript NM_001035.3 (MANE Select); coding-DNA position 10061, T replaced by C.
Protein change: p.Leu3354Pro; replaces leucine 3354 with proline.
Molecular consequence: missense variant.
Genome position (GRCh38, 1-based): chr1:237,709,017, T>C. VCF-style: chr1-237709017-T-C. GRCh37 (hg19) VCF-style: chr1-237872317-T-C.
Other names: short protein forms L3354P.
Identifiers: ClinVar variation 3385828 (VCV003385828.1).
Genomic context (GRCh38, chr1:237,709,017, plus strand): 5'-TGTCTGAGGAAGACCACCTGAAAGCTGAGGCCAGGGGGGACATGTCGGAGGCAGAACTCC[T>C]CATCCTAGATGAGTTCACCACACTGGCCAGAGATCTCTATGCCTTCTACCCTCTCTTGAT-3'
Protein context (NP_001026.2, residues 3344-3364): ARGDMSEAEL[Leu3354Pro]ILDEFTTLAR